The following is an entry in ClinVar:

NM_001386795.1(DTNA):c.1175G>A (p.Arg392His)

Gene: DTNA (dystrobrevin alpha; plus strand). Cytogenetic location: 18q12.1.
Variant type: single nucleotide variant.
Coding change: c.1175G>A on transcript NM_001386795.1 (MANE Select); coding-DNA position 1175, G replaced by A.
Protein change: p.Arg392His; replaces arginine 392 with histidine.
Molecular consequence: missense variant. On other transcripts: intron variant (27).
Genome position (GRCh38, 1-based): chr18:34,829,489, G>A. VCF-style: chr18-34829489-G-A. GRCh37 (hg19) VCF-style: chr18-32409453-G-A.
Other names: c.221G>A, p.Arg74His (NM_001198942.1, NM_001198944.1); c.1175G>A, p.Arg392His (NM_001386754.1, NM_001386755.1, NM_001386756.1 and 6 more transcripts); c.1094+1813G>A (NM_032975.4, NM_001386761.1, NM_001386762.1 and 3 more transcripts); c.1085+1813G>A (NM_001386763.1, NM_001386764.1, NM_001386768.1 and 14 more transcripts); c.603+17376G>A (NM_001198945.2); c.335+1813G>A (NM_001198943.1); c.131+1813G>A (NM_032980.4, NM_032981.5); short protein forms R392H, R74H.
Identifiers: ClinVar variation 3352683 (VCV003352683.1).

ClinVar aggregate classification (germline): Uncertain significance (0 of 4 stars; one submission).

Conditions:
DTNA-related disorder. Also called: DTNA-related condition.

gnomAD v4.1: 42 of 1,516,002 alleles (0.0028%); highest among the groups gnomAD compares: Admixed American, 0.006%; no homozygotes.

Submission:

PreventionGenetics, part of Exact Sciences
Classification: Uncertain significance for DTNA-related condition. Last evaluated: 2024-07-12. Review status: no assertion criteria provided. Collection method: clinical testing. Allele origin: germline.
Comment: The DTNA c.221G>A variant is predicted to result in the amino acid substitution p.Arg74His. To our knowledge, this variant has not been reported in the literature. This variant is reported in 0.0097% of alleles in individuals of East Asian descent in gnomAD. At this time, the clinical significance of this variant is uncertain due to the absence of conclusive functional and genetic evidence.